The following is an entry in ClinVar:

ClinVar aggregate classification (germline): Likely benign (1 of 4 stars; one submission).

Conditions:
LOXHD1-related disorder. Also called: LOXHD1-related condition.

gnomAD v4.1: 32 of 1,551,692 alleles (0.0021%); highest among the groups gnomAD compares: Non-Finnish European, 0.0026%; no homozygotes.

Submission:

PreventionGenetics, part of Exact Sciences
Classification: Likely benign for LOXHD1-related condition. Last evaluated: 2026-04-30. Review status: criteria provided, single submitter. Criteria: ACMG Guidelines, 2015. Collection method: clinical testing. Allele origin: germline.
Comment: This variant is classified as likely benign based on ACMG/AMP sequence variant interpretation guidelines (Richards et al. 2015 PMID: 25741868, with internal and published modifications).

NM_001384474.1(LOXHD1):c.1803G>A (p.Lys601=)

Gene: LOXHD1 (lipoxygenase homology PLAT domains 1; minus strand). Cytogenetic location: 18q21.1.
Variant type: single nucleotide variant.
Coding change: c.1803G>A on transcript NM_001384474.1 (MANE Select); coding-DNA position 1803, G replaced by A.
Protein change: p.Lys601=; no amino-acid change (lysine 601 retained).
Molecular consequence: synonymous variant.
Genome position (GRCh38, 1-based): chr18:46,579,636, C>T on the plus strand (G>A on the coding strand, the complement: LOXHD1 is on the minus strand). VCF-style: chr18-46579636-C-T. GRCh37 (hg19) VCF-style: chr18-44159599-C-T.
Other names: c.1803G>A, p.Lys601= (NM_144612.7).
Identifiers: ClinVar variation 4986960 (VCV004986960.1).